The following is an entry in ClinVar:

ClinVar aggregate classification (germline): Uncertain significance (1 of 4 stars; one submission).

Conditions:
Werner syndrome (WRN). Identifiers: Orphanet 902, MedGen C0043119, MONDO:0010196, OMIM 277700.

Allele frequency attached by ClinVar (database versions not stated): gnomAD exomes below 0.00001; TOPMed below 0.00001; gnomAD 0.00001.
gnomAD v4.1: 4 of 1,612,954 alleles (0.00025%); no homozygotes.

Submission:

Labcorp Genetics (formerly Invitae), Labcorp
Classification: Uncertain significance for Werner syndrome. Last evaluated: 2025-12-22. Review status: criteria provided, single submitter. Criteria: Invitae Variant Classification Sherloc (09022015). Collection method: clinical testing. Allele origin: germline.
Comment: This sequence change replaces glutamic acid, which is acidic and polar, with lysine, which is basic and polar, at codon 1391 of the WRN protein (p.Glu1391Lys). This variant is present in population databases (no rsID available, gnomAD 0.01%). This variant has not been reported in the literature in individuals affected with WRN-related conditions. ClinVar contains an entry for this variant (Variation ID: 842694). An algorithm developed to predict the effect of missense changes on protein structure and function outputs the following: PolyPhen-2: "Benign". The lysine amino acid residue is found in multiple mammalian species, which suggests that this missense change does not adversely affect protein function. RNA analysis performed to evaluate the impact of this missense change on mRNA splicing indicates it does not significantly alter splicing (internal data). In summary, the available evidence is currently insufficient to determine the role of this variant in disease. Therefore, it has been classified as a Variant of Uncertain Significance.

NM_000553.6(WRN):c.4171G>A (p.Glu1391Lys)

Gene: WRN (WRN RecQ like helicase; plus strand). Cytogenetic location: 8p12.
Variant type: single nucleotide variant.
Coding change: c.4171G>A on transcript NM_000553.6 (MANE Select); coding-DNA position 4171, G replaced by A.
Protein change: p.Glu1391Lys; replaces glutamic acid 1391 with lysine.
Molecular consequence: missense variant.
Genome position (GRCh38, 1-based): chr8:31,167,210, G>A. VCF-style: chr8-31167210-G-A. GRCh37 (hg19) VCF-style: chr8-31024726-G-A.
Other names: short protein forms E1391K.
Identifiers: ClinVar variation 842694 (VCV000842694.6), dbSNP rs1418607116, ClinGen allele CA370910026.
Genomic context (GRCh38, chr8:31,167,210, plus strand): 5'-AAAAGGAGATGTTTTCCCGGTTCTGAAGAGATCTGTTCAAGTTCTAAGAGAAGCAAGGAA[G>A]AAGTAGGCATCAATACTGAGGTATTAATTATATATAGAATTTTCATAAAGTGTCAGTTTG-3'
Protein context (NP_000544.2, residues 1381-1401): ICSSSKRSKE[Glu1391Lys]VGINTETSSA